The following is an entry in ClinVar:

ClinVar aggregate classification (germline): Uncertain significance (1 of 4 stars; one submission).

gnomAD v4.1: 3 of 1,208,810 alleles (0.00025%); highest among the groups gnomAD compares: African/African-American, 0.0052%; no homozygotes.

Submission:

Greenwood Genetic Center Diagnostic Laboratories, Greenwood Genetic Center
Classification: Uncertain significance. Last evaluated: 2025-02-27. Review status: criteria provided, single submitter. Criteria: ACMG Guidelines, 2015. Collection method: clinical testing. Allele origin: germline.
Comment: PM2, BP4, PP2

NM_001039591.3(USP9X):c.3980C>A (p.Thr1327Asn)

Gene: USP9X (ubiquitin specific peptidase 9 X-linked; plus strand). Cytogenetic location: Xp11.4.
Variant type: single nucleotide variant.
Coding change: c.3980C>A on transcript NM_001039591.3 (MANE Select); coding-DNA position 3980, C replaced by A.
Protein change: p.Thr1327Asn; replaces threonine 1327 with asparagine.
Molecular consequence: missense variant.
Genome position (GRCh38, 1-based): chrX:41,196,253, C>A. VCF-style: chrX-41196253-C-A. GRCh37 (hg19) VCF-style: chrX-41055506-C-A.
Other names: c.3980C>A, p.Thr1327Asn (NM_001039590.3); c.3995C>A, p.Thr1332Asn (NM_001410748.1, NM_001410749.1, NM_001437534.1); short protein forms T1327N, T1332N.
Identifiers: ClinVar variation 4851718 (VCV004851718.1).